The following is an entry in ClinVar:

NM_000257.4(MYH7):c.2838G>A (p.Glu946=)

Gene: MYH7 (myosin heavy chain 7; minus strand). Cytogenetic location: 14q11.2.
Variant type: single nucleotide variant.
Coding change: c.2838G>A on transcript NM_000257.4 (MANE Select); coding-DNA position 2838, G replaced by A.
Protein change: p.Glu946=; no amino-acid change (glutamic acid 946 retained).
Molecular consequence: synonymous variant.
Genome position (GRCh38, 1-based): chr14:23,423,991, C>T on the plus strand (G>A on the coding strand, the complement: MYH7 is on the minus strand). VCF-style: chr14-23423991-C-T. GRCh37 (hg19) VCF-style: chr14-23893200-C-T.
Other names: c.2838G>A, p.Glu946= (NM_001407004.1).
Identifiers: ClinVar variation 3387328 (VCV003387328.1).

ClinVar aggregate classification (germline): Likely benign (1 of 4 stars; one submission).

Conditions:
Cardiomyopathy (CMYO). Also called: Cardiomyopathies. Identifiers: Orphanet 167848, MedGen C0878544, MONDO:0004994, HP:0001638. Inheritance: Various modes of inheritance.

Submission:

All of Us Research Program, National Institutes of Health
Classification: Likely benign for Cardiomyopathy. Last evaluated: 2024-07-10. Review status: criteria provided, single submitter. Criteria: ACMG Guidelines, 2015. Collection method: clinical testing. Allele origin: germline. Inheritance: Autosomal dominant inheritance. Observed: 1 variant allele, 1 heterozygote.
Comment: This study involves interpretation of variants in research participants for the purpose of population health screening. Participant phenotype was not available at the time of variant classification. Additional details can be found in publication PMID: 35346344, PMCID: PMC8962531